The following is an entry in ClinVar:

ClinVar aggregate classification (germline): Uncertain significance (1 of 4 stars; one submission).

Conditions:
Hajdu-Cheney syndrome (HJCYS). Also called: ACROOSTEOLYSIS WITH OSTEOPOROSIS AND CHANGES IN SKULL AND MANDIBLE; SERPENTINE FIBULA-POLYCYSTIC KIDNEY SYNDROME; Acroosteolysis dominant type. Identifiers: Orphanet 955, MedGen C0917715, MONDO:0007057, OMIM 102500.

Submission:

Labcorp Genetics (formerly Invitae), Labcorp
Classification: Uncertain significance for Hajdu-Cheney syndrome. Last evaluated: 2022-08-06. Review status: criteria provided, single submitter. Criteria: Invitae Variant Classification Sherloc (09022015). Collection method: clinical testing. Allele origin: germline.
Comment: Advanced modeling of protein sequence and biophysical properties (such as structural, functional, and spatial information, amino acid conservation, physicochemical variation, residue mobility, and thermodynamic stability) performed at Invitae indicates that this missense variant is expected to disrupt NOTCH2 protein function. This sequence change replaces asparagine, which is neutral and polar, with isoleucine, which is neutral and non-polar, at codon 570 of the NOTCH2 protein (p.Asn570Ile). This variant is not present in population databases (gnomAD no frequency). This variant has not been reported in the literature in individuals affected with NOTCH2-related conditions. In summary, the available evidence is currently insufficient to determine the role of this variant in disease. Therefore, it has been classified as a Variant of Uncertain Significance.

NM_024408.4(NOTCH2):c.1709A>T (p.Asn570Ile)

Gene: NOTCH2 (notch receptor 2; minus strand). Cytogenetic location: 1p12.
Variant type: single nucleotide variant.
Coding change: c.1709A>T on transcript NM_024408.4 (MANE Select); coding-DNA position 1709, A replaced by T.
Protein change: p.Asn570Ile; replaces asparagine 570 with isoleucine.
Molecular consequence: missense variant.
Genome position (GRCh38, 1-based): chr1:119,963,780, T>A on the plus strand (A>T on the coding strand, the complement: NOTCH2 is on the minus strand). VCF-style: chr1-119963780-T-A. GRCh37 (hg19) VCF-style: chr1-120506403-T-A.
Other names: c.1709A>T, p.Asn570Ile (NM_001200001.2); short protein forms N570I.
Identifiers: ClinVar variation 1715368 (VCV001715368.6), dbSNP rs2101137459, ClinGen allele CA341874235.